The following is an entry in ClinVar:

ClinVar aggregate classification (germline): Uncertain significance (1 of 4 stars; one submission).

Conditions:
Immunodeficiency 37 (IMD37). Identifiers: MedGen C4015195, MONDO:0014491, OMIM 616098.

Allele frequency attached by ClinVar (database versions not stated): gnomAD exomes below 0.00001; gnomAD 0.00001; TOPMed 0.00001.
gnomAD v4.1: 3 of 1,614,080 alleles (0.00019%); highest among the groups gnomAD compares: Non-Finnish European, 0.00025%; no homozygotes.

Submission:

Labcorp Genetics (formerly Invitae), Labcorp
Classification: Uncertain significance for Immunodeficiency 37. Last evaluated: 2022-05-19. Review status: criteria provided, single submitter. Criteria: Invitae Variant Classification Sherloc (09022015). Collection method: clinical testing. Allele origin: germline.
Comment: This variant is present in population databases (no rsID available, gnomAD 0.007%). In summary, the available evidence is currently insufficient to determine the role of this variant in disease. Therefore, it has been classified as a Variant of Uncertain Significance. Experimental studies have shown that this missense change does not substantially affect BCL10 function (PMID: 32008135). Algorithms developed to predict the effect of missense changes on protein structure and function (SIFT, PolyPhen-2, Align-GVGD) all suggest that this variant is likely to be disruptive. This variant has not been reported in the literature in individuals affected with BCL10-related conditions. This sequence change replaces proline, which is neutral and non-polar, with leucine, which is neutral and non-polar, at codon 193 of the BCL10 protein (p.Pro193Leu).

Literature cited by the submitters: PubMed 32008135.

NM_003921.5(BCL10):c.578C>T (p.Pro193Leu)

Gene: BCL10 (BCL10 immune signaling adaptor; minus strand). Cytogenetic location: 1p22.3.
Variant type: single nucleotide variant.
Coding change: c.578C>T on transcript NM_003921.5 (MANE Select); coding-DNA position 578, C replaced by T.
Protein change: p.Pro193Leu; replaces proline 193 with leucine.
Molecular consequence: missense variant.
Genome position (GRCh38, 1-based): chr1:85,267,751, G>A on the plus strand (C>T on the coding strand, the complement: BCL10 is on the minus strand). VCF-style: chr1-85267751-G-A. GRCh37 (hg19) VCF-style: chr1-85733434-G-A.
Other names: c.545C>T, p.Pro182Leu (NM_001320715.2); short protein forms P182L, P193L.
Identifiers: ClinVar variation 1507303 (VCV001507303.4), dbSNP rs943467000, ClinGen allele CA25620868.